The following is an entry in ClinVar:

NM_000551.4(VHL):c.70G>A (p.Gly24Ser)

Gene: VHL (von Hippel-Lindau tumor suppressor; plus strand). Cytogenetic location: 3p25.3.
Variant type: single nucleotide variant.
Coding change: c.70G>A on transcript NM_000551.4 (MANE Select); coding-DNA position 70, G replaced by A.
Protein change: p.Gly24Ser; replaces glycine 24 with serine.
Molecular consequence: missense variant.
Genome position (GRCh38, 1-based): chr3:10,141,917, G>A. VCF-style: chr3-10141917-G-A. GRCh37 (hg19) VCF-style: chr3-10183601-G-A.
Other names: c.70G>A, p.Gly24Ser (NM_001354723.2, NM_198156.3); short protein forms G24S.
Identifiers: ClinVar variation 648375 (VCV000648375.10), dbSNP rs1438223626, ClinGen allele CA351747411.
Genomic context (GRCh38, chr3:10,141,917, plus strand): 5'-AGGGCGGAGAACTGGGACGAGGCCGAGGTAGGCGCGGAGGAGGCAGGCGTCGAAGAGTAC[G>A]GCCCTGAAGAAGACGGCGGGGAGGAGTCGGGCGCCGAGGAGTCCGGCCCGGAAGAGTCCG-3'
Protein context (NP_000542.1, residues 14-34): GAEEAGVEEY[Gly24Ser]PEEDGGEESG

ClinVar aggregate classification (germline): Conflicting classifications of pathogenicity. Review status: criteria provided, conflicting classifications (1 of 4 stars). 2 submissions from 2 submitters: Uncertain significance (1); Benign (1). Last evaluated 2024-03-21.

Conditions:
Chuvash polycythemia. Also called: POLYCYTHEMIA, VHL-DEPENDENT. Identifiers: Orphanet 238557, MedGen C1837915, MONDO:0009892, OMIM 263400.
Von Hippel-Lindau syndrome (VHLS). Also called: Von Hippel-Lindau; VHL syndrome; von Hippel–Lindau syndrome. Identifiers: Orphanet 892, MedGen C0019562, MONDO:0008667, OMIM 193300. Disease mechanism: loss of function.
Ovarian cancer. Also called: OVARIAN CANCER, SOMATIC. Identifiers: Orphanet 213500, MedGen C1140680, MONDO:0008170, OMIM 167000.

Submissions (2):

Labcorp Genetics (formerly Invitae), Labcorp
Classification: Uncertain significance for Von Hippel-Lindau syndrome; Chuvash polycythemia. Last evaluated: 2024-03-21. Review status: criteria provided, single submitter. Criteria: Invitae Variant Classification Sherloc (09022015). Collection method: clinical testing. Allele origin: germline.
Comment: This sequence change replaces glycine, which is neutral and non-polar, with serine, which is neutral and polar, at codon 24 of the VHL protein (p.Gly24Ser). This variant is not present in population databases (gnomAD no frequency). This variant has not been reported in the literature in individuals affected with VHL-related conditions. ClinVar contains an entry for this variant (Variation ID: 648375). Advanced modeling of protein sequence and biophysical properties (such as structural, functional, and spatial information, amino acid conservation, physicochemical variation, residue mobility, and thermodynamic stability) performed at Invitae indicates that this missense variant is not expected to disrupt VHL protein function with a negative predictive value of 95%. In summary, the available evidence is currently insufficient to determine the role of this variant in disease. Therefore, it has been classified as a Variant of Uncertain Significance.

Laboratory of Molecular Epidemiology of Birth Defects, West China Second University Hospital, Sichuan University
Classification: Benign for Ovarian cancer. Last evaluated: 2022-01-01. Review status: criteria provided, single submitter. Criteria: ACMG Guidelines, 2015. Collection method: clinical testing. Allele origin: germline. Affected: yes.